The following is an entry in ClinVar:

ClinVar aggregate classification (germline): Uncertain significance (1 of 4 stars; one submission).

Allele frequency attached by ClinVar (database versions not stated): ExAC 0.00001.
gnomAD v4.1: 1 of 1,614,190 alleles (0.000062%); highest among the groups gnomAD compares: South Asian, 0.0011%; no homozygotes.

Submission:

Labcorp Genetics (formerly Invitae), Labcorp
Classification: Uncertain significance. Last evaluated: 2019-07-11. Review status: criteria provided, single submitter. Criteria: Invitae Variant Classification Sherloc (09022015). Collection method: clinical testing. Allele origin: germline.
Comment: In summary, the available evidence is currently insufficient to determine the role of this variant in disease. Therefore, it has been classified as a Variant of Uncertain Significance. Algorithms developed to predict the effect of missense changes on protein structure and function are either unavailable or do not agree on the potential impact of this missense change (SIFT: "Tolerated"; PolyPhen-2: "Possibly Damaging"; Align-GVGD: "Class C0"). This variant has not been reported in the literature in individuals with IMPG1-related conditions. This variant is present in population databases (rs756107174, ExAC 0.006%). This sequence change replaces lysine with asparagine at codon 701 of the IMPG1 protein (p.Lys701Asn). The lysine residue is moderately conserved and there is a moderate physicochemical difference between lysine and asparagine.

NM_001563.4(IMPG1):c.2103G>T (p.Lys701Asn)

Gene: IMPG1 (interphotoreceptor matrix proteoglycan 1; minus strand). Cytogenetic location: 6q14.1.
Variant type: single nucleotide variant.
Coding change: c.2103G>T on transcript NM_001563.4 (MANE Select); coding-DNA position 2103, G replaced by T.
Protein change: p.Lys701Asn; replaces lysine 701 with asparagine.
Molecular consequence: missense variant.
Genome position (GRCh38, 1-based): chr6:75,931,093, C>A on the plus strand (G>T on the coding strand, the complement: IMPG1 is on the minus strand). VCF-style: chr6-75931093-C-A. GRCh37 (hg19) VCF-style: chr6-76640810-C-A.
Other names: c.1869G>T, p.Lys623Asn (NM_001282368.2); short protein forms K623N, K701N.
Identifiers: ClinVar variation 947273 (VCV000947273.8), dbSNP rs756107174, ClinGen allele CA3897930.